The following is an entry in ClinVar:

ClinVar aggregate classification (germline): Likely benign. Review status: criteria provided, multiple submitters, no conflicts (2 of 4 stars). 2 submissions from 2 submitters: Likely benign (2). Last evaluated 2026-07-07.

Conditions:
Rhabdoid tumor predisposition syndrome 2 (RTPS2). Identifiers: Orphanet 231108, Orphanet 69077, MedGen C2750074, MONDO:0013224, OMIM 613325.

Allele frequency attached by ClinVar (database versions not stated): gnomAD exomes 0.00001 and below 0.00001.
gnomAD v4.1: 10 of 1,608,598 alleles (0.00062%); highest among the groups gnomAD compares: Middle Eastern, 0.017%; no homozygotes.

Submissions (2):

Myriad Genetics, Inc.
Classification: Likely benign for Rhabdoid tumor predisposition syndrome 2. Last evaluated: 2026-07-07. Review status: criteria provided, single submitter. Criteria: Myriad Autosomal Dominant, Autosomal Recessive and X-Linked Classification Criteria (2023). Collection method: clinical testing. Allele origin: unknown.
Comment: This variant is considered likely benign. This variant is intronic and is not expected to impact mRNA splicing.

Labcorp Genetics (formerly Invitae), Labcorp
Classification: Likely benign for Rhabdoid tumor predisposition syndrome 2. Last evaluated: 2026-01-06. Review status: criteria provided, single submitter. Criteria: Invitae Variant Classification Sherloc (09022015). Collection method: clinical testing. Allele origin: germline.

NM_003072.5(SMARCA4):c.3547-13C>T

Gene: SMARCA4 (SWI/SNF related BAF chromatin remodeling complex subunit ATPase 4; plus strand). Cytogenetic location: 19p13.2.
Variant type: single nucleotide variant.
Coding change: c.3547-13C>T on transcript NM_003072.5 (MANE Select); 13 bases into the intron before coding-DNA position 3547, C replaced by T.
Molecular consequence: intron variant.
Genome position (GRCh38, 1-based): chr19:11,033,277, C>T. VCF-style: chr19-11033277-C-T. GRCh37 (hg19) VCF-style: chr19-11143953-C-T.
Other names: c.3547-13C>T (NM_001128844.3, NM_001128849.3, NM_001128847.4 and 5 more transcripts).
Identifiers: ClinVar variation 1588093 (VCV001588093.9), dbSNP rs1206705033, ClinGen allele CA631763535.